The following is an entry in ClinVar:

NM_006767.4(LZTR1):c.455T>G (p.Leu152Arg)

Gene: LZTR1 (leucine zipper like post translational regulator 1; plus strand). Cytogenetic location: 22q11.21.
Variant type: single nucleotide variant.
Coding change: c.455T>G on transcript NM_006767.4 (MANE Select); coding-DNA position 455, T replaced by G.
Protein change: p.Leu152Arg; replaces leucine 152 with arginine.
Molecular consequence: missense variant.
Genome position (GRCh38, 1-based): chr22:20,988,064, T>G. VCF-style: chr22-20988064-T-G. GRCh37 (hg19) VCF-style: chr22-21342353-T-G.
Other names: short protein forms L152R.
Identifiers: ClinVar variation 4859423 (VCV004859423.1).
Genomic context (GRCh38, chr22:20,988,064, plus strand): 5'-ACTCAGGGGGTTACACTGGGGACATTTATTCCAATTCTAACTTGAAGAATAAAAACGACC[T>G]CTTTGAATACAAGTTTGCAACTGGCCAGTGGACGGAGTGGAAAATTGAAGGACGGTGAGA-3'
Protein context (NP_006758.2, residues 142-162): SNSNLKNKND[Leu152Arg]FEYKFATGQW

ClinVar aggregate classification (germline): Uncertain significance (1 of 4 stars; one submission).

Conditions:
Cardiovascular phenotype. Identifiers: MedGen CN230736.
Hereditary cancer-predisposing syndrome. Also called: Neoplastic Syndromes, Hereditary; Tumor predisposition; Hereditary Cancer Syndrome; Hereditary neoplastic syndrome. Identifiers: Orphanet 140162, MedGen C0027672, MeSH D009386, MONDO:0015356.

Submission:

Ambry Genetics
Classification: Uncertain significance for Cardiovascular phenotype; Hereditary cancer-predisposing syndrome. Last evaluated: 2026-05-28. Review status: criteria provided, single submitter. Criteria: Ambry Variant Classification Scheme 2023. Collection method: clinical testing. Allele origin: germline.
Comment: The p.L152R variant (also known as c.455T>G), located in coding exon 5 of the LZTR1 gene, results from a T to G substitution at nucleotide position 455. The leucine at codon 152 is replaced by arginine, an amino acid with dissimilar properties. This amino acid position is conserved. In addition, this alteration is predicted to be deleterious by in silico analysis. Based on the available evidence, the clinical significance of this variant remains unclear.